The following is an entry in ClinVar:

ClinVar aggregate classification (germline): Uncertain significance (1 of 4 stars; one submission).

Submission:

Labcorp Genetics (formerly Invitae), Labcorp
Classification: Uncertain significance. Last evaluated: 2024-02-17. Review status: criteria provided, single submitter. Criteria: Invitae Variant Classification Sherloc (09022015). Collection method: clinical testing. Allele origin: germline.
Comment: This sequence change replaces asparagine, which is neutral and polar, with serine, which is neutral and polar, at codon 166 of the RNF31 protein (p.Asn166Ser). This variant is not present in population databases (gnomAD no frequency). This variant has not been reported in the literature in individuals affected with RNF31-related conditions. An algorithm developed to predict the effect of missense changes on protein structure and function (PolyPhen-2) suggests that this variant is likely to be tolerated. In summary, the available evidence is currently insufficient to determine the role of this variant in disease. Therefore, it has been classified as a Variant of Uncertain Significance.

NM_017999.5(RNF31):c.497A>G (p.Asn166Ser)

Gene: RNF31 (ring finger protein 31; plus strand). Cytogenetic location: 14q12.
Variant type: single nucleotide variant.
Coding change: c.497A>G on transcript NM_017999.5 (MANE Select); coding-DNA position 497, A replaced by G.
Protein change: p.Asn166Ser; replaces asparagine 166 with serine.
Molecular consequence: missense variant.
Genome position (GRCh38, 1-based): chr14:24,148,643, A>G. VCF-style: chr14-24148643-A-G. GRCh37 (hg19) VCF-style: chr14-24617852-A-G.
Other names: c.44A>G, p.Asn15Ser (NM_001310332.2); short protein forms N15S, N166S.
Identifiers: ClinVar variation 3642178 (VCV003642178.2).